The following is an entry in ClinVar:

ClinVar aggregate classification (germline): Uncertain significance. Review status: criteria provided, multiple submitters, no conflicts (2 of 4 stars). 2 submissions from 2 submitters: Uncertain significance (2). Last evaluated 2024-08-21.

Conditions:
Cardiovascular phenotype. Identifiers: MedGen CN230736.
Brugada syndrome. Also called: Sudden unexplained nocturnal death syndrome; Sudden unexpected nocturnal death syndrome; Sudden Unexplained Death Syndrome; Sudden Unexplained Nocturnal Death Syndrome (SUNDS). Identifiers: Orphanet 130, MedGen C1142166, MONDO:0015263.

Submissions (2):

Labcorp Genetics (formerly Invitae), Labcorp
Classification: Uncertain significance for Brugada syndrome. Last evaluated: 2024-08-21. Review status: criteria provided, single submitter. Criteria: Invitae Variant Classification Sherloc (09022015). Collection method: clinical testing. Allele origin: germline.
Comment: This sequence change replaces asparagine, which is neutral and polar, with lysine, which is basic and polar, at codon 1684 of the SCN10A protein (p.Asn1684Lys). This variant is not present in population databases (gnomAD no frequency). This variant has not been reported in the literature in individuals affected with SCN10A-related conditions. ClinVar contains an entry for this variant (Variation ID: 1745043). Invitae Evidence Modeling of protein sequence and biophysical properties (such as structural, functional, and spatial information, amino acid conservation, physicochemical variation, residue mobility, and thermodynamic stability) indicates that this missense variant is not expected to disrupt SCN10A protein function with a negative predictive value of 80%. In summary, the available evidence is currently insufficient to determine the role of this variant in disease. Therefore, it has been classified as a Variant of Uncertain Significance.

Ambry Genetics
Classification: Uncertain significance for Cardiovascular phenotype. Last evaluated: 2021-09-09. Review status: criteria provided, single submitter. Criteria: Ambry Variant Classification Scheme 2023. Collection method: clinical testing. Allele origin: germline.
Comment: The p.N1684K variant (also known as c.5052C>G), located in coding exon 27 of the SCN10A gene, results from a C to G substitution at nucleotide position 5052. The asparagine at codon 1684 is replaced by lysine, an amino acid with similar properties. This amino acid position is conserved. In addition, this alteration is predicted to be tolerated by in silico analysis. Since supporting evidence is limited at this time, the clinical significance of this alteration remains unclear.

NM_006514.4(SCN10A):c.5052C>G (p.Asn1684Lys)

Gene: SCN10A (sodium voltage-gated channel alpha subunit 10; minus strand). Cytogenetic location: 3p22.2.
Variant type: single nucleotide variant.
Coding change: c.5052C>G on transcript NM_006514.4 (MANE Select); coding-DNA position 5052, C replaced by G.
Protein change: p.Asn1684Lys; replaces asparagine 1684 with lysine.
Molecular consequence: missense variant.
Genome position (GRCh38, 1-based): chr3:38,698,168, G>C on the plus strand (C>G on the coding strand, the complement: SCN10A is on the minus strand). VCF-style: chr3-38698168-G-C. GRCh37 (hg19) VCF-style: chr3-38739659-G-C.
Other names: c.5049C>G, p.Asn1683Lys (NM_001293306.2); c.4758C>G, p.Asn1586Lys (NM_001293307.2); short protein forms N1586K, N1683K, N1684K.
Identifiers: ClinVar variation 1745043 (VCV001745043.4), dbSNP rs752410640, ClinGen allele CA352154756.